The following is an entry in ClinVar:

ClinVar aggregate classification (germline): Uncertain significance (1 of 4 stars; one submission).

Conditions:
Arthrogryposis, distal, with impaired proprioception and touch (DAIPT). Identifiers: MedGen C4310692, MONDO:0014941, OMIM 617146.

Allele frequency attached by ClinVar (database versions not stated): gnomAD exomes 0.00001.
gnomAD v4.1: 8 of 1,614,074 alleles (0.0005%); highest among the groups gnomAD compares: East Asian, 0.0022%; no homozygotes.

Submission:

Illumina Laboratory Services, Illumina
Classification: Uncertain significance for Arthrogryposis, distal, with impaired proprioception and touch. Last evaluated: 2019-02-12. Review status: criteria provided, single submitter. Criteria: ICSLVariantClassificationCriteria RUGD 01 April 2020. Collection method: clinical testing. Allele origin: unknown.
Comment: The PIEZO2 c.6829A>G (p.Ile2277Val) variant is a missense variant. A literature search was performed for this gene, cDNA change, and amino acid change. No publications were found based on this search. This variant is not found in the Genome Aggregation Database in a region of good sequence coverage so the variant is presumed to be rare. Based on the limited evidence, the p.Ile2277Val variant is classified as a variant of uncertain significance for distal arthrogryposis with impaired proprioception and touch.

NM_001378183.1(PIEZO2):c.7168A>G (p.Ile2390Val)

Gene: PIEZO2 (piezo type mechanosensitive ion channel component 2; minus strand). Cytogenetic location: 18p11.22.
Variant type: single nucleotide variant.
Coding change: c.7168A>G on transcript NM_001378183.1 (MANE Select); coding-DNA position 7168, A replaced by G.
Protein change: p.Ile2390Val; replaces isoleucine 2390 with valine.
Molecular consequence: missense variant.
Genome position (GRCh38, 1-based): chr18:10,696,096, T>C on the plus strand (A>G on the coding strand, the complement: PIEZO2 is on the minus strand). VCF-style: chr18-10696096-T-C. GRCh37 (hg19) VCF-style: chr18-10696094-T-C.
Other names: c.6829A>G, p.Ile2277Val (NM_022068.4); short protein forms I2277V, I2390V.
Identifiers: ClinVar variation 989307 (VCV000989307.4), dbSNP rs2035069170, ClinGen allele CA401917518.